The following continues an entry in ClinVar:

NM_000051.4(ATM):c.1564_1565del (p.Glu522fs)

Gene: ATM. ClinVar aggregate classification (germline): Pathogenic. Pathogenic (1).

Submissions 43 to 46 of 46:

Department of Pathology and Laboratory Medicine, Sinai Health System
Classification: Pathogenic for Malignant tumor of breast. Review status: no assertion criteria provided. Collection method: clinical testing. Allele origin: unknown. Affected: yes. Study: The Canadian Open Genetics Repository (COGR). Not counted in ClinVar's aggregate classification.
Comment: The ATM p.Glu522Ilefs*43 variant was identified in 24 of 22060 proband chromosomes (frequency: 0.002) from individuals or families with Ataxia-Telangiectasia, breast cancer, melanoma, or pancreatic cancer (Campbell 2003, Demuth 2011, Li 2000, Seifert 2016, Stankovic 1998, Susswein 2015, Teraoka 1999, Verhagen 2011, Mitu 2005). The variant was also identified in dbSNP (ID: rs587779817; Alias rs751357509) as "With Pathogenic allele", ClinVar (classified as pathogenic by GeneDx, Ambry Genetics, Invitae, Counsyl, Color Genomics and Center for Pediatric Genomic Medicine, Children's Mercy Hospital and Clinics), Cosmic (2x found in Haematopoietic and lymphoid tissue or Upper aerodigestive tract), and LOVD 3.0 (40x as pathogenic). The variant was not identified in the COGR database. The variant was not identified in the following control databases: the 1000 Genomes Project, the NHLBI GO Exome Sequencing Project, the Exome Aggregation Consortium (August 8th 2016), or the Genome Aggregation Database (Feb 27, 2017). The c.1564_1565del variant is predicted to cause a frameshift, which alters the protein's amino acid sequence beginning at codon 522 and leads to a premature stop codon at position 564. This alteration is then predicted to result in a truncated or absent protein and loss of function. Loss of function variants of the ATM gene are an established mechanism of disease in ATM-associated cancers and is the type of variant expected to cause the disorder. In summary, based on the above information, this variant meets our laboratoryâ€šÃ„Ã´s criteria to be classified as pathogenic.

Diagnostic Laboratory, Department of Genetics, University Medical Center Groningen
Classification: Pathogenic. Review status: no assertion criteria provided. Collection method: clinical testing. Allele origin: germline. Affected: yes. Study: VKGL Data-share Consensus. Not counted in ClinVar's aggregate classification.

Genome Diagnostics Laboratory, Amsterdam University Medical Center
Classification: Pathogenic. Review status: no assertion criteria provided. Collection method: clinical testing. Allele origin: germline. Affected: yes. Study: VKGL Data-share Consensus. Not counted in ClinVar's aggregate classification.

Laboratory of Diagnostic Genome Analysis, Leiden University Medical Center (LUMC)
Classification: Pathogenic. Review status: no assertion criteria provided. Collection method: clinical testing. Allele origin: germline. Affected: yes. Study: VKGL Data-share Consensus. Not counted in ClinVar's aggregate classification.

Literature cited by the submitters: PubMed 23807571 (cited by Labcorp Genetics (formerly Invitae), Labcorp); PubMed 25614872 (cited by Labcorp Genetics (formerly Invitae), Labcorp); PubMed 9000145 (cited by 4 submitters); PubMed 9463314 (cited by 8 submitters); PubMed 10330348 (cited by 7 submitters); PubMed 10817650 (cited by 10 submitters); PubMed 12497634 (cited by 5 submitters); PubMed 21965147 (cited by 8 submitters); PubMed 27083775 (cited by 6 submitters); PubMed 26896183 (cited by Department of Clinical Genetics, Copenhagen University Hospital, Rigshospitalet); PubMed 9792409 (cited by Department of Clinical Genetics, Copenhagen University Hospital, Rigshospitalet and Ambry Genetics); PubMed 2497634 (cited by Department of Clinical Genetics, Copenhagen University Hospital, Rigshospitalet); PubMed 15880721 (cited by Department of Clinical Genetics, Copenhagen University Hospital, Rigshospitalet and Spanish ATM Cancer Susceptibility Variant Interpretation Working Group); PubMed 31407689 (cited by Department of Clinical Genetics, Copenhagen University Hospital, Rigshospitalet and Quest Diagnostics Nichols Institute San Juan Capistrano); PubMed 22213089 (cited by 5 submitters); PubMed 16652348 (cited by Johns Hopkins Genomics, Johns Hopkins University and Color Diagnostics, LLC DBA Color Health); PubMed 17393301 (cited by Johns Hopkins Genomics, Johns Hopkins University and Color Diagnostics, LLC DBA Color Health); PubMed 29785153 (cited by 5 submitters); PubMed 29945567 (cited by 3 submitters); PubMed 30067863 (cited by 3 submitters); PubMed 30772474 (cited by 6 submitters); PubMed 31514334 (cited by Johns Hopkins Genomics, Johns Hopkins University and Color Diagnostics, LLC DBA Color Health); PubMed 17985259 (cited by Ambry Genetics); PubMed 19535770 (cited by Ambry Genetics); PubMed 21792198 (cited by Ambry Genetics); PubMed 26182300 (cited by 3 submitters); PubMed 28126470 (cited by 3 submitters); PubMed 28767289 (cited by 4 submitters); PubMed 28779002 (cited by Ambry Genetics and Quest Diagnostics Nichols Institute San Juan Capistrano); PubMed 29360161 (cited by 3 submitters); PubMed 29522266 (cited by Ambry Genetics); PubMed 8755918 (cited by Ambry Genetics); PubMed 8789452 (cited by 4 submitters); PubMed 9887333 (cited by Ambry Genetics and Women's Health and Genetics/Laboratory Corporation of America, LabCorp); PubMed 26506520 (cited by 3 submitters); PubMed 28152038 (cited by Quest Diagnostics Nichols Institute San Juan Capistrano and Athena Diagnostics); PubMed 27988859 (cited by 3 submitters); PubMed 25186627 (cited by Quest Diagnostics Nichols Institute San Juan Capistrano and Athena Diagnostics); PubMed 30612635 (cited by Quest Diagnostics Nichols Institute San Juan Capistrano and Athena Diagnostics); PubMed 20301790 (cited by Quest Diagnostics Nichols Institute San Juan Capistrano); PubMed 26689913 (cited by Quest Diagnostics Nichols Institute San Juan Capistrano); PubMed 28843361 (cited by Quest Diagnostics Nichols Institute San Juan Capistrano); PubMed 29445900 (cited by Quest Diagnostics Nichols Institute San Juan Capistrano); PubMed 29625052 (cited by Quest Diagnostics Nichols Institute San Juan Capistrano); PubMed 29753700 (cited by Quest Diagnostics Nichols Institute San Juan Capistrano and Sema4); PubMed 30322717 (cited by Quest Diagnostics Nichols Institute San Juan Capistrano); PubMed 30549301 (cited by Quest Diagnostics Nichols Institute San Juan Capistrano); PubMed 31285527 (cited by Quest Diagnostics Nichols Institute San Juan Capistrano); PubMed 31447099 (cited by Quest Diagnostics Nichols Institute San Juan Capistrano); PubMed 31589614 (cited by Quest Diagnostics Nichols Institute San Juan Capistrano); PubMed 32427313 (cited by Quest Diagnostics Nichols Institute San Juan Capistrano); PubMed 32441320 (cited by Quest Diagnostics Nichols Institute San Juan Capistrano); PubMed 32885271 (cited by Quest Diagnostics Nichols Institute San Juan Capistrano); PubMed 33098801 (cited by Quest Diagnostics Nichols Institute San Juan Capistrano); PubMed 33436325 (cited by Quest Diagnostics Nichols Institute San Juan Capistrano); PubMed 26681312 (cited by Quest Diagnostics Nichols Institute San Juan Capistrano and Athena Diagnostics); PubMed 25980754 (cited by 3 submitters); PubMed 37091313 (cited by Practice for Gait Abnormalities, David Pomarino, Competency Network Toe Walking C/o Practice Pomarino); PubMed 2884336 (cited by Sema4); PubMed 31050087 (cited by Sema4); PubMed 16266405 (cited by Spanish ATM Cancer Susceptibility Variant Interpretation Working Group and Counsyl).